The following is an entry in ClinVar:

NM_032608.7(MYO18B):c.3691G>A (p.Gly1231Arg)

Gene: MYO18B (myosin XVIIIB; plus strand). Cytogenetic location: 22q12.1.
Variant type: single nucleotide variant.
Coding change: c.3691G>A on transcript NM_032608.7 (MANE Select); coding-DNA position 3691, G replaced by A.
Protein change: p.Gly1231Arg; replaces glycine 1231 with arginine.
Molecular consequence: missense variant.
Genome position (GRCh38, 1-based): chr22:25,847,568, G>A. VCF-style: chr22-25847568-G-A. GRCh37 (hg19) VCF-style: chr22-26243535-G-A.
Other names: c.3694G>A, p.Gly1232Arg (NM_001318245.2); short protein forms G1232R, G1231R.
Identifiers: ClinVar variation 1929841 (VCV001929841.5), dbSNP rs747242229, ClinGen allele CA10160629.
Genomic context (GRCh38, chr22:25,847,568, plus strand): 5'-AGGAGTGGGCAGGAATCTCCACCACCACCGCAGCCTGGTAGAGACAAGCCTGGGGCAGGT[G>A]GACCTCTGGCCCTGGATATCCCAGCACTGAGGGTCCAGCTTGCTGGGTTCCACATCCTGG-3'
Protein context (NP_115997.5, residues 1221-1241): QPGRDKPGAG[Gly1231Arg]PLALDIPALR

ClinVar aggregate classification (germline): Uncertain significance (1 of 4 stars; one submission).

Allele frequency attached by ClinVar (database versions not stated): gnomAD exomes 0.00001; TOPMed 0.00001.
gnomAD v4.1: 4 of 1,568,290 alleles (0.00026%); highest among the groups gnomAD compares: Admixed American, 0.0056%; no homozygotes.

Submission:

Labcorp Genetics (formerly Invitae), Labcorp
Classification: Uncertain significance. Last evaluated: 2024-08-05. Review status: criteria provided, single submitter. Criteria: Invitae Variant Classification Sherloc (09022015). Collection method: clinical testing. Allele origin: germline.
Comment: This sequence change replaces glycine, which is neutral and non-polar, with arginine, which is basic and polar, at codon 1231 of the MYO18B protein (p.Gly1231Arg). This variant is present in population databases (rs747242229, gnomAD 0.008%). This variant has not been reported in the literature in individuals affected with MYO18B-related conditions. ClinVar contains an entry for this variant (Variation ID: 1929841). An algorithm developed to predict the effect of missense changes on protein structure and function outputs the following: PolyPhen-2: "Benign". The arginine amino acid residue is found in multiple mammalian species, which suggests that this missense change does not adversely affect protein function. In summary, the available evidence is currently insufficient to determine the role of this variant in disease. Therefore, it has been classified as a Variant of Uncertain Significance.